The following continues an entry in ClinVar:

NM_024301.5(FKRP):c.826C>A (p.Leu276Ile)

Gene: FKRP. ClinVar aggregate classification (germline): Pathogenic/Likely pathogenic. Pathogenic (52); Likely pathogenic (5).

Submissions 21 to 32 of 64:

Victorian Clinical Genetics Services, Murdoch Childrens Research Institute
Classification: Pathogenic for Autosomal recessive limb-girdle muscular dystrophy type 2I. Last evaluated: 2024-10-09. Review status: criteria provided, single submitter. Criteria: ACMG Guidelines, 2015. Collection method: clinical testing. Allele origin: germline. Inheritance: Autosomal recessive inheritance. Affected: yes.
Comment: Based on the classification scheme VCGS_Germline_v1.3.4, this variant is classified as Pathogenic Following criteria are met: 0102 - Loss of function is a known mechanism of disease in this gene and is associated with muscular dystrophy-dystroglycanopathy; congenital with brain and eye anomalies, type A, 5 (MIM#613153), congenital with or without intellectual development, type B, 5 (MIM#606612), and limb-girdle, type C, 5 (MIM#607155). (I) 0106 - This gene is associated with autosomal recessive disease. (I) 0115 - Variants in this gene are known to have variable expressivity (PMIDs: 20961759, 32914449). (I) 0200 - Variant is predicted to result in a missense amino acid change from leucine to isoleucine. (I) 0252 - This variant is homozygous. (I) 0304 - Variant is present in gnomAD (v2) <0.01 for a recessive condition (168 heterozygotes, 0 homozygotes). (SP) 0502 - Missense variant with conflicting in silico predictions and uninformative conservation. (I) 0604 - Variant is not located in an established domain, motif, hotspot or informative constraint region. (I) 0801 - This variant has very strong previous evidence of pathogenicity in unrelated individuals. It is a known founder allele in European populations and it has been reported in multiple homozygous and compound heterozygous individuals with LGMD, usually associated with mild disease (ClinVar, LOVD, HGMD, OMIM, PMIDs: 11741828, 15580560, 14647208). (SP) 1208 - Inheritance information for this variant is not currently available in this individual. (I) Legend: (SP) - Supporting Pathogenic, (I) – Information, (SB) – Supporting Benign

Molecular Genetics, Royal Melbourne Hospital
Classification: Pathogenic for Myopathy caused by variation in FKRP. Last evaluated: 2024-10-03. Review status: criteria provided, single submitter. Criteria: ACMG Guidelines, 2015. Collection method: clinical testing. Allele origin: germline. Inheritance: Autosomal recessive inheritance. Affected: yes.
Comment: This sequence change in FKRP is predicted to replace leucine with isoleucine at codon 276, p.(Leu276Ile). The leucine residue is weakly conserved (100 vertebrates, UCSC), and is located in the lumenal domain. There is a small physicochemical difference between leucine and isoleucine. The highest population minor allele frequency in the population database gnomAD v4.1 is 0.2% (2,820/1,135,906 alleles, 2 homozygotes) in the European (non-Finnish) population, and is a European founder variant for limb-girdle muscular dystrophy (PMID: 15580560). The variant has been identified homozygous and compound heterozygous with a second pathogenic allele in multiple cases with limb-girdle muscular dystrophy, and segregates with the condition in multiple families (PMID: 11741828, 15580560). Additionally, knock-in mouse models of the variant recapitulate the human phenotype (PMID: 23591631, 26574668). Computational evidence predicts a deleterious effect for the missense substitution (REVEL = 0.70). Based on the classification scheme RMH Modified ACMG/AMP Guidelines v1.7.0, this variant is classified as PATHOGENIC. Following criteria are met: PM3_VeryStrong, PS3, PP1_Strong, PP3.

Institute of Human Genetics, Clinical Exome/Genome Diagnostics Group, University Hospital Bonn
Classification: Pathogenic for Nizon-Isidor syndrome. Last evaluated: 2024-04-09. Review status: criteria provided, single submitter. Criteria: ACMG Guidelines, 2015. Collection method: clinical testing. Allele origin: maternal. Affected: yes.

Institute of Human Genetics, Clinical Exome/Genome Diagnostics Group, University Hospital Bonn
Classification: Pathogenic for Neuronopathy, distal hereditary motor, type 2B. Last evaluated: 2024-04-09. Review status: criteria provided, single submitter. Criteria: ACMG Guidelines, 2015. Collection method: clinical testing. Allele origin: germline. Affected: yes.

Baylor Genetics
Classification: Pathogenic for Muscular dystrophy-dystroglycanopathy (congenital with brain and eye anomalies), type A5. Last evaluated: 2024-03-27. Review status: criteria provided, single submitter. Criteria: ACMG Guidelines, 2015. Collection method: clinical testing. Allele origin: unknown.

Laboratory for Molecular Medicine, Mass General Brigham Personalized Medicine
Classification: Pathogenic for Limb-girdle muscular dystrophy. Last evaluated: 2024-03-11. Review status: criteria provided, single submitter. Criteria: ACMG Guidelines, 2015. Collection method: clinical testing. Allele origin: germline. Inheritance: Autosomal recessive inheritance.
Comment: The p.Leu276Ile variant in FKRP has been reported in the homozygous or compound heterozygous state in >10 individuals with limb-girdle muscular dystrophy (LGMD) (Brockington 2001 PMID: 11741828; Walter 2004 PMID: 15060126). This variant is considered to be a founder mutation within the Hutterite population (Frosk 2005 PMID:15580560) and has been identified in 0.2% (2820/1135906) of European chromosomes by gnomAD, including 2 homozygous individuals. Affected individuals may not be reliably excluded from the gnomAD database given that FKRP-related LGMD (type 2I) is typically a milder form of disease and onset is typically in adulthood. This variant has also been reported in ClinVar (Variation ID: 4221). Computational prediction tools and conservation analyses suggest that this variant may impact the protein. Animal models in mice have shown that this variant causes limb-girdle muscular dystrophy (Krag 2015 PMID: 26574668). In summary, this variant meets criteria to be classified as pathogenic for autosomal recessive LGMD. ACMG/AMP Criteria applied: PM3_Very Strong, PS3, PP3.

Fulgent Genetics
Classification: Pathogenic for Muscular dystrophy-dystroglycanopathy type B5; Autosomal recessive limb-girdle muscular dystrophy type 2I; Muscular dystrophy-dystroglycanopathy (congenital with brain and eye anomalies), type A5. Last evaluated: 2024-02-06. Review status: criteria provided, single submitter. Criteria: ACMG Guidelines, 2015. Collection method: clinical testing. Allele origin: germline.

HudsonAlpha Institute for Biotechnology
Classification: Pathogenic for Muscular dystrophy-dystroglycanopathy (congenital with brain and eye anomalies), type A5; Muscular dystrophy-dystroglycanopathy type B5; Autosomal recessive limb-girdle muscular dystrophy type 2I. Last evaluated: 2023-08-25. Review status: criteria provided, single submitter. Criteria: ACMG Guidelines, 2015. Collection method: research. Allele origin: unknown. Affected: yes. Observed: 1 variant allele. Study: HudsonAlpha-AGHI-WGS.

Institute of Human Genetics, University of Leipzig Medical Center
Classification: Pathogenic for Autosomal recessive limb-girdle muscular dystrophy type 2I. Last evaluated: 2023-08-17. Review status: criteria provided, single submitter. Criteria: ACMG Guidelines, 2015. Collection method: clinical testing. Allele origin: inherited. Inheritance: Autosomal recessive inheritance. Affected: yes.
Comment: Criteria applied: PM3_VSTR,PS3

Clinical Genetics Laboratory, Skane University Hospital Lund
Classification: Pathogenic. Last evaluated: 2023-07-24. Review status: criteria provided, single submitter. Criteria: ACMG Guidelines, 2015. Collection method: clinical testing. Allele origin: germline. Affected: yes.

Institute of Medical Genetics and Applied Genomics, University Hospital Tübingen
Classification: Pathogenic for Autosomal recessive limb-girdle muscular dystrophy type 2I. Last evaluated: 2023-07-14. Review status: criteria provided, single submitter. Criteria: ACMG Guidelines, 2015. Collection method: clinical testing. Allele origin: germline. Inheritance: Autosomal recessive inheritance. Affected: yes.

Clinical Genomics Laboratory, Stanford Medicine
Classification: Pathogenic for Muscular dystrophy-dystroglycanopathy (congenital with brain and eye anomalies), type A5; Muscular dystrophy-dystroglycanopathy type B5; Autosomal recessive limb-girdle muscular dystrophy type 2I. Last evaluated: 2023-02-17. Review status: criteria provided, single submitter. Criteria: ACMG Guidelines, 2015. Collection method: clinical testing. Allele origin: germline. Inheritance: Autosomal recessive inheritance. Observed: 1 variant allele, 1 heterozygote.
Comment: The p.Leu276Ile variant in the FKRP gene is the most commonly identified variant among individuals of European ancestry affected with limb girdle muscular dystrophy R9, and is recognized as a founder mutation in the Hutterite population (Frosk et al., 2005; Murphy et al., 2020). Individuals homozygous for the p.Leu276Ile variant are observed to have a milder phenotype with later onset of disease (Libell et al., 2020; Murphy et al., 2020). Two related heterozygous carriers of the p.Leu276Ile variant were reported to manifest symptoms of disease including muscle hypertrophy, elevated serum CK, and cardiomyopathy (Schottlaender et al., 2015); however, given the high frequency of this variant and lack of additional reports, risk of manifesting disease in heterozygous carriers has not been convincingly demonstrated. This variant has been identified in 139/60,758 European (non-Finnish) chromosomes (168/152,176 chromosomes overall) by the Genome Aggregation Database. This variant is present in ClinVar (VCV000004221.99). Functional studies of the p.Leu276Ile variant are supportive of a deleterious effect to the protein (Lu et al., 2010), and a homozygous mouse model demonstrated a similar disease phenotype and progression as observed in humans (Krag and Vissing, 2015). Computational tools predict that this variant is deleterious; however, the accuracy of in silico algorithms is limited. These data were assessed using the ACMG/AMP variant interpretation guidelines. In summary, there is sufficient evidence to classify the p.Leu276Ile variant as pathogenic for autosomal recessive FKRP-related muscular dystrophy dystroglycanopathy. [ACMG evidence codes used: PM3_Very Strong; PS3; PP3]